The following is an entry in ClinVar:

NM_015114.3(ANKLE2):c.1668G>A (p.Ser556=)

Gene: ANKLE2 (ankyrin repeat and LEM domain containing 2; minus strand). Cytogenetic location: 12q24.33.
Variant type: single nucleotide variant.
Coding change: c.1668G>A on transcript NM_015114.3 (MANE Select); coding-DNA position 1668, G replaced by A.
Protein change: p.Ser556=; no amino-acid change (serine 556 retained).
Molecular consequence: synonymous variant.
Genome position (GRCh38, 1-based): chr12:132,735,438, C>T on the plus strand (G>A on the coding strand, the complement: ANKLE2 is on the minus strand). VCF-style: chr12-132735438-C-T. GRCh37 (hg19) VCF-style: chr12-133312024-C-T.
Identifiers: ClinVar variation 735374 (VCV000735374.8), dbSNP rs200898706, ClinGen allele CA6895522.

ClinVar aggregate classification (germline): Benign/Likely benign. Review status: criteria provided, multiple submitters, no conflicts (2 of 4 stars). 4 submissions from 4 submitters: Benign (1); Likely benign (2). 1 of the submissions does not count toward it. Last evaluated 2020-01-20.

Conditions:
ANKLE2-related disorder. Also called: ANKLE2-related condition.

Allele frequency attached by ClinVar (database versions not stated): gnomAD exomes 0.00012 and 0.00022; ExAC 0.00024; 1000 Genomes Project 0.00040; 1000 Genomes Project 30x 0.00047; ESP Exome Variant Server 0.00056; gnomAD 0.00080 and 0.00086; TOPMed 0.00083.

Submissions (4):

GeneDx
Classification: Likely benign. Last evaluated: 2020-01-20. Review status: criteria provided, single submitter. Criteria: GeneDx Variant Classification Process June 2021. Collection method: clinical testing. Allele origin: germline. Affected: yes.

Labcorp Genetics (formerly Invitae), Labcorp
Classification: Benign. Last evaluated: 2018-03-29. Review status: criteria provided, single submitter. Criteria: Invitae Variant Classification Sherloc (09022015). Collection method: clinical testing. Allele origin: germline.

Breakthrough Genomics
Classification: Likely benign. Review status: criteria provided, single submitter. Criteria: ACMG Guidelines, 2015. Collection method: not provided. Allele origin: germline. Inheritance: Autosomal recessive inheritance. Affected: yes.

PreventionGenetics, part of Exact Sciences
Classification: Likely benign for ANKLE2-related condition. Last evaluated: 2021-08-31. Review status: no assertion criteria provided. Collection method: clinical testing. Allele origin: germline. Not counted in ClinVar's aggregate classification.
Comment: This variant is classified as likely benign based on ACMG/AMP sequence variant interpretation guidelines (Richards et al. 2015 PMID: 25741868, with internal and published modifications).